The following is an entry in ClinVar:

NM_017950.4(CCDC40):c.3142G>A (p.Glu1048Lys)

Gene: CCDC40 (coiled-coil domain 40 molecular ruler complex subunit; plus strand). Cytogenetic location: 17q25.3.
Variant type: single nucleotide variant.
Coding change: c.3142G>A on transcript NM_017950.4 (MANE Select); coding-DNA position 3142, G replaced by A.
Protein change: p.Glu1048Lys; replaces glutamic acid 1048 with lysine.
Molecular consequence: missense variant.
Genome position (GRCh38, 1-based): chr17:80,097,365, G>A. VCF-style: chr17-80097365-G-A. GRCh37 (hg19) VCF-style: chr17-78071164-G-A.
Other names: short protein forms E1048K.
Identifiers: ClinVar variation 454889 (VCV000454889.7), dbSNP rs997113449, ClinGen allele CA294878611.

ClinVar aggregate classification (germline): Uncertain significance (1 of 4 stars; one submission).

Conditions:
Primary ciliary dyskinesia. Also called: Ciliary dyskinesia. Identifiers: Orphanet 244, MedGen C0008780, MONDO:0016575, HP:0012265.

Allele frequency attached by ClinVar (database versions not stated): gnomAD exomes 0.00001.
gnomAD v4.1: 17 of 1,614,002 alleles (0.0011%); highest among the groups gnomAD compares: East Asian, 0.0022%; no homozygotes.

Submission:

Labcorp Genetics (formerly Invitae), Labcorp
Classification: Uncertain significance for Primary ciliary dyskinesia. Last evaluated: 2017-07-06. Review status: criteria provided, single submitter. Criteria: Invitae Variant Classification Sherloc (09022015). Collection method: clinical testing. Allele origin: germline.
Comment: In summary, the available evidence is currently insufficient to determine the role of this variant in disease. Therefore, it has been classified as a Variant of Uncertain Significance. Algorithms developed to predict the effect of missense changes on protein structure and function do not agree on the potential impact of this missense change (SIFT: "Tolerated"; PolyPhen-2: "Possibly Damaging"; Align-GVGD: "Class C0"). This variant has not been reported in the literature in individuals with CCDC40-related disease. This variant is not present in population databases (ExAC no frequency). This sequence change replaces glutamic acid with lysine at codon 1048 of the CCDC40 protein (p.Glu1048Lys). The glutamic acid residue is moderately conserved and there is a small physicochemical difference between glutamic acid and lysine.